The following is an entry in ClinVar:

ClinVar aggregate classification (germline): Uncertain significance (1 of 4 stars; one submission).

Conditions:
Inborn genetic diseases. Identifiers: MedGen C0950123, MeSH D030342.

Submission:

Ambry Genetics
Classification: Uncertain significance for Inborn genetic diseases. Last evaluated: 2024-12-21. Review status: criteria provided, single submitter. Criteria: Ambry Variant Classification Scheme 2023. Collection method: clinical testing. Allele origin: germline.
Comment: The p.R168K variant (also known as c.503G>A), located in coding exon 5 of the RECQL4 gene, results from a G to A substitution at nucleotide position 503. The arginine at codon 168 is replaced by lysine, an amino acid with highly similar properties. This amino acid position is conserved. In addition, this alteration is predicted to be tolerated by in silico analysis. Based on the available evidence, the clinical significance of this variant remains unclear.

NM_004260.4(RECQL4):c.503G>A (p.Arg168Lys)

Gene: RECQL4 (RecQ like helicase 4; minus strand). Cytogenetic location: 8q24.3.
Variant type: single nucleotide variant.
Coding change: c.503G>A on transcript NM_004260.4 (MANE Select); coding-DNA position 503, G replaced by A.
Protein change: p.Arg168Lys; replaces arginine 168 with lysine.
Molecular consequence: missense variant. On other transcripts: 5 prime UTR variant (15), non-coding transcript variant (3), intron variant (3).
Genome position (GRCh38, 1-based): chr8:144,516,616, C>T on the plus strand (G>A on the coding strand, the complement: RECQL4 is on the minus strand). VCF-style: chr8-144516616-C-T. GRCh37 (hg19) VCF-style: chr8-145742000-C-T.
Other names: c.503G>A, p.Arg168Lys (NM_001413017.1, NM_001413018.1, NM_001413019.1 and 4 more transcripts); c.-569G>A (NM_001413022.1, NM_001413023.1, NM_001413024.1 and 5 more transcripts); c.374G>A, p.Arg125Lys (NM_001413025.1); c.-631G>A (NM_001413027.1, NM_001413030.1, NM_001413031.1 and 2 more transcripts); c.-473G>A (NM_001413034.1); c.-838G>A (NM_001413043.1); c.355-203G>A (NM_001413029.1); c.-366-203G>A (NM_001413021.1); and 1 more; short protein forms R125K, R168K.
Identifiers: ClinVar variation 3787955 (VCV003787955.1).